The following is an entry in ClinVar:

ClinVar aggregate classification (germline): Likely benign (1 of 4 stars; one submission).

gnomAD v4.1: 2 of 1,614,156 alleles (0.00012%); highest among the groups gnomAD compares: Non-Finnish European, 0.00017%; no homozygotes.

Submission:

CeGaT Center for Human Genetics Tuebingen
Classification: Likely benign. Last evaluated: 2022-06-01. Review status: criteria provided, single submitter. Criteria: CeGaT Center For Human Genetics Tuebingen Variant Classification Criteria Version 2. Collection method: clinical testing. Allele origin: germline. Affected: yes. Observed: 1 variant allele.
Comment: SRCAP: BP4, BP7

NM_006662.3(SRCAP):c.588C>T (p.Ser196=)

Gene: SRCAP (Snf2 related CREBBP activator protein; plus strand). Cytogenetic location: 16p11.2.
Variant type: single nucleotide variant.
Coding change: c.588C>T on transcript NM_006662.3 (MANE Select); coding-DNA position 588, C replaced by T.
Protein change: p.Ser196=; no amino-acid change (serine 196 retained).
Molecular consequence: synonymous variant.
Genome position (GRCh38, 1-based): chr16:30,707,667, C>T. VCF-style: chr16-30707667-C-T. GRCh37 (hg19) VCF-style: chr16-30718988-C-T.
Identifiers: ClinVar variation 2646386 (VCV002646386.24), dbSNP rs769983508, ClinGen allele CA8010711.